The following is an entry in ClinVar:

NM_177531.6(PKHD1L1):c.4448A>G (p.Tyr1483Cys)

Gene: PKHD1L1 (PKHD1 like 1; plus strand). Cytogenetic location: 8q23.1.
Variant type: single nucleotide variant.
Coding change: c.4448A>G on transcript NM_177531.6 (MANE Select); coding-DNA position 4448, A replaced by G.
Protein change: p.Tyr1483Cys; replaces tyrosine 1483 with cysteine.
Molecular consequence: missense variant.
Genome position (GRCh38, 1-based): chr8:109,443,000, A>G. VCF-style: chr8-109443000-A-G. GRCh37 (hg19) VCF-style: chr8-110455229-A-G.
Other names: short protein forms Y1483C.
Identifiers: ClinVar variation 3213824 (VCV003213824.3), dbSNP rs202003275, ClinGen allele CA4845009.

ClinVar aggregate classification (germline): Uncertain significance. Review status: criteria provided, multiple submitters, no conflicts (2 of 4 stars). 2 submissions from 2 submitters: Uncertain significance (2). Last evaluated 2026-01-28.

Conditions:
PKHD1L1-related disorder. Also called: PKHD1L1-related condition.

Allele frequency attached by ClinVar (database versions not stated): gnomAD exomes 0.00004; 1000 Genomes Project 30x 0.00016; ExAC 0.00016; 1000 Genomes Project 0.00020; ESP Exome Variant Server 0.00042; gnomAD 0.00044.
gnomAD v4.1: 131 of 1,613,628 alleles (0.0081%); highest among the groups gnomAD compares: African/African-American, 0.14%; no homozygotes.

Submissions (2):

PreventionGenetics, part of Exact Sciences
Classification: Uncertain significance for PKHD1L1-related condition. Last evaluated: 2026-01-28. Review status: criteria provided, single submitter. Criteria: ACMG Guidelines, 2015. Collection method: clinical testing. Allele origin: germline.
Comment: The PKHD1L1 c.4448A>G variant is predicted to result in the amino acid substitution p.Tyr1483Cys. To our knowledge, this variant has not been reported in the literature. This variant is reported in 0.13% of alleles in individuals of African descent in gnomAD. Although we suspect that this variant may be benign, at this time, the clinical significance of this variant is uncertain due to the absence of conclusive functional and genetic evidence.

Ambry Genetics
Classification: Uncertain significance. Last evaluated: 2025-06-07. Review status: criteria provided, single submitter. Criteria: Ambry Variant Classification Scheme 2023. Collection method: clinical testing. Allele origin: germline.